The following is an entry in ClinVar:

NM_000257.4(MYH7):c.1000-14G>A

Gene: MYH7 (myosin heavy chain 7; minus strand). Cytogenetic location: 14q11.2.
Variant type: single nucleotide variant.
Coding change: c.1000-14G>A on transcript NM_000257.4 (MANE Select); 14 bases into the intron before coding-DNA position 1000, G replaced by A.
Molecular consequence: intron variant.
Genome position (GRCh38, 1-based): chr14:23,429,927, C>T on the plus strand (G>A on the coding strand, the complement: MYH7 is on the minus strand). VCF-style: chr14-23429927-C-T. GRCh37 (hg19) VCF-style: chr14-23899136-C-T.
Identifiers: ClinVar variation 2140760 (VCV002140760.5), dbSNP rs762619419, ClinGen allele CA027366.

ClinVar aggregate classification (germline): Uncertain significance. Review status: criteria provided, multiple submitters, no conflicts (2 of 4 stars). 2 submissions from 2 submitters: Uncertain significance (2). Last evaluated 2025-10-01.

Conditions:
Hypertrophic cardiomyopathy. Also called: HYPERTROPHIC MYOCARDIOPATHY. Identifiers: Orphanet 217569, MedGen C0007194, MeSH D002312, MONDO:0005045, HP:0001639.
Cardiomyopathy (CMYO). Also called: Cardiomyopathies. Identifiers: Orphanet 167848, MedGen C0878544, MONDO:0004994, HP:0001638. Inheritance: Various modes of inheritance.

Allele frequency attached by ClinVar (database versions not stated): ExAC 0.00001.
gnomAD v4.1: 5 of 1,613,650 alleles (0.00031%); highest among the groups gnomAD compares: Admixed American, 0.0017%; no homozygotes.

Submissions (2):

Labcorp Genetics (formerly Invitae), Labcorp
Classification: Uncertain significance for Hypertrophic cardiomyopathy. Last evaluated: 2025-10-01. Review status: criteria provided, single submitter. Criteria: Invitae Variant Classification Sherloc (09022015). Collection method: clinical testing. Allele origin: germline.
Comment: This sequence change falls in intron 11 of the MYH7 gene. It does not directly change the encoded amino acid sequence of the MYH7 protein. This variant is present in population databases (rs762619419, gnomAD 0.0009%). This variant has not been reported in the literature in individuals affected with MYH7-related conditions. ClinVar contains an entry for this variant (Variation ID: 2140760). Algorithms developed to predict the effect of sequence changes on RNA splicing suggest that this variant may disrupt the consensus splice site. In summary, the available evidence is currently insufficient to determine the role of this variant in disease. Therefore, it has been classified as a Variant of Uncertain Significance.

All of Us Research Program, National Institutes of Health
Classification: Uncertain significance for Cardiomyopathy. Last evaluated: 2023-12-13. Review status: criteria provided, single submitter. Criteria: ACMG Guidelines, 2015. Collection method: clinical testing. Allele origin: germline. Inheritance: Autosomal dominant inheritance. Observed: 1 variant allele, 1 heterozygote.
Comment: This variant causes a G to A nucleotide substitution at the -14 position of intron 11 of the MYH7 gene. Splice prediction tools suggest that this variant may disrupt RNA splicing. To our knowledge, functional studies have not been reported for this variant. This variant has not been reported in individuals affected with cardiovascular disorders in the literature. This variant has been identified in 1/251218 chromosomes in the general population by the Genome Aggregation Database (gnomAD). The role of loss-of-function MYH7 truncation and splice variants in autosomal dominant cardiovascular disorders is not clearly established. The available evidence is insufficient to determine the role of this variant in disease conclusively. Therefore, this variant is classified as a Variant of Uncertain Significance.

This study involves interpretation of variants in research participants for the purpose of population health screening. Participant phenotype was not available at the time of variant classification. Additional details can be found in publication PMID: 35346344, PMCID: PMC8962531